The following is an entry in ClinVar:

NM_033131.4(WNT3A):c.520del (p.Glu174fs)

Gene: WNT3A (Wnt family member 3A; plus strand). Cytogenetic location: 1q42.13.
Variant type: Deletion.
Coding change: c.520del on transcript NM_033131.4 (MANE Select); coding-DNA position 520, one base deleted (G; older notation c.520delG).
Protein change: p.Glu174fs; shifts the reading frame from glutamic acid 174.
Molecular consequence: frameshift variant.
Genome position (GRCh38, 1-based): chr1:228,050,862, G deleted; the last of 3 consecutive G bases (chr1:228,050,860-228,050,862); deleting any one gives the same sequence. VCF-style (leftmost placement, unchanged base first): chr1-228050859-CG-C. GRCh37 (hg19) VCF-style: chr1-228238560-CG-C.
Other names: short protein forms E174fs.
Identifiers: ClinVar variation 1941737 (VCV001941737.5), dbSNP rs1248103771, ClinGen allele CA529468290.

ClinVar aggregate classification (germline): Uncertain significance (1 of 4 stars; one submission).

Submission:

Labcorp Genetics (formerly Invitae), Labcorp
Classification: Uncertain significance. Last evaluated: 2023-07-17. Review status: criteria provided, single submitter. Criteria: Invitae Variant Classification Sherloc (09022015). Collection method: clinical testing. Allele origin: germline.
Comment: In summary, the available evidence is currently insufficient to determine the role of this variant in disease. Therefore, it has been classified as a Variant of Uncertain Significance. Experimental studies and prediction algorithms are not available or were not evaluated, and the functional significance of this variant is currently unknown. ClinVar contains an entry for this variant (Variation ID: 1941737). This variant has not been reported in the literature in individuals affected with WNT3A-related conditions. The frequency data for this variant in the population databases is considered unreliable, as metrics indicate poor data quality at this position in the gnomAD database. This sequence change creates a premature translational stop signal (p.Glu174Argfs*10) in the WNT3A gene. While this is not anticipated to result in nonsense mediated decay, it is expected to disrupt the last 179 amino acid(s) of the WNT3A protein.